The following is an entry in ClinVar:

ClinVar aggregate classification (germline): Uncertain significance (1 of 4 stars; one submission).

Conditions:
Familial hypocalciuric hypercalcemia (FHH). Also called: Familial benign hypercalcemia. Identifiers: Orphanet 405, MedGen C1809471, MONDO:0018458.
Autosomal dominant hypocalcemia 1 (HYPOC1). Also called: HYPOCALCEMIA, FAMILIAL. Identifiers: MedGen C3715128, MONDO:0011013, OMIM 601198.

Submission:

Labcorp Genetics (formerly Invitae), Labcorp
Classification: Uncertain significance for Familial hypocalciuric hypercalcemia; Autosomal dominant hypocalcemia 1. Last evaluated: 2017-08-08. Review status: criteria provided, single submitter. Criteria: Invitae Variant Classification Sherloc (09022015). Collection method: clinical testing. Allele origin: germline.
Comment: In summary, the available evidence is currently insufficient to determine the role of this variant in disease. Therefore, it has been classified as a Variant of Uncertain Significance. Algorithms developed to predict the effect of missense changes on protein structure and function (SIFT, PolyPhen-2, Align-GVGD) all suggest that this variant is likely to be tolerated, but these predictions have not been confirmed by published functional studies and their clinical significance is uncertain. This variant has not been reported in the literature in individuals with CASR-related disease. This variant is not present in population databases (ExAC no frequency). This sequence change replaces tyrosine with phenylalanine at codon 435 of the CASR protein (p.Tyr435Phe). The tyrosine residue is highly conserved and there is a small physicochemical difference between tyrosine and phenylalanine.

NM_000388.4(CASR):c.1304A>T (p.Tyr435Phe)

Gene: CASR (calcium sensing receptor; plus strand). Cytogenetic location: 3q21.1.
Variant type: single nucleotide variant.
Coding change: c.1304A>T on transcript NM_000388.4 (MANE Select); coding-DNA position 1304, A replaced by T.
Protein change: p.Tyr435Phe; replaces tyrosine 435 with phenylalanine.
Molecular consequence: missense variant.
Genome position (GRCh38, 1-based): chr3:122,262,339, A>T. VCF-style: chr3-122262339-A-T. GRCh37 (hg19) VCF-style: chr3-121981186-A-T.
Other names: c.1304A>T, p.Tyr435Phe (NM_001178065.2); short protein forms Y435F.
Identifiers: ClinVar variation 532596 (VCV000532596.10), dbSNP rs1553766913, ClinGen allele CA354153037.
Genomic context (GRCh38, chr3:122,262,339, plus strand): 5'-GGATATCCTACAATGTGTACTTAGCAGTCTACTCCATTGCCCACGCCTTGCAAGATATAT[A>T]TACCTGCTTACCTGGGAGAGGGCTCTTCACCAATGGCTCCTGTGCAGACATCAAGAAAGT-3'
Protein context (NP_000379.3, residues 425-445): YSIAHALQDI[Tyr435Phe]TCLPGRGLFT